The following is an entry in ClinVar:

NM_000535.7(PMS2):c.2303T>G (p.Ile768Ser)

Gene: PMS2 (PMS1 homolog 2, mismatch repair system component; minus strand). Cytogenetic location: 7p22.1.
Variant type: single nucleotide variant.
Coding change: c.2303T>G on transcript NM_000535.7 (MANE Select); coding-DNA position 2303, T replaced by G.
Protein change: p.Ile768Ser; replaces isoleucine 768 with serine.
Molecular consequence: missense variant.
Genome position (GRCh38, 1-based): chr7:5,977,730, A>C on the plus strand (T>G on the coding strand, the complement: PMS2 is on the minus strand). VCF-style: chr7-5977730-A-C. GRCh37 (hg19) VCF-style: chr7-6017361-A-C.
Other names: c.1829T>G, p.Ile610Ser (NM_001406902.1, NM_001406901.1); c.1790T>G, p.Ile597Ser (NM_001406905.1, NM_001406904.1); c.1742T>G, p.Ile581Ser (NM_001406906.1, NM_001406907.1, NM_001322010.2); c.1817T>G, p.Ile606Ser (NM_001406903.1); c.1979T>G, p.Ile660Ser (NM_001406884.1); c.1967T>G, p.Ile656Ser (NM_001406885.1); c.1937T>G, p.Ile646Ser (NM_001406886.1); c.1931T>G, p.Ile644Ser (NM_001406887.1, NM_001406888.1, NM_001322009.2); and 18 more; short protein forms I597S, I606S, I610S, I644S, I676S, I830S, I367S, I511S.
Identifiers: ClinVar variation 1789328 (VCV001789328.6), dbSNP rs1583281424, ClinGen allele CA366736074.
Genomic context (GRCh38, chr7:5,977,730, plus strand): 5'-AAGATCAGTTCATCGACGTCCTGGGGTCCGAAGGTCCAGTTTTTACTAGTTGGCAAGGAA[A>C]TCAGTTTAGCCCTTTCAGTGACTGGAGCTAAAAGAATACAATTTTGAGAAAAATCCATGA-3'
Protein context (NP_000526.2, residues 758-778): NAPVTERAKL[Ile768Ser]SLPTSKNWTF

ClinVar aggregate classification (germline): Uncertain significance. Review status: criteria provided, multiple submitters, no conflicts (2 of 4 stars). 3 submissions from 3 submitters: Uncertain significance (3). Last evaluated 2024-03-06.

Conditions:
Hereditary cancer-predisposing syndrome. Also called: Hereditary Cancer Syndrome; Hereditary neoplastic syndrome; Tumor predisposition; Neoplastic Syndromes, Hereditary. Identifiers: Orphanet 140162, MedGen C0027672, MeSH D009386, MONDO:0015356.
Hereditary nonpolyposis colorectal neoplasms. Identifiers: MedGen C0009405, MeSH D003123.

Submissions (3):

Color Diagnostics, LLC DBA Color Health
Classification: Uncertain significance for Hereditary cancer-predisposing syndrome. Last evaluated: 2024-03-06. Review status: criteria provided, single submitter. Criteria: ACMG Guidelines, 2015. Collection method: clinical testing. Allele origin: germline.
Comment: This missense variant replaces isoleucine with serine at codon 768 of the PMS2 protein. Computational prediction suggests that this variant may not impact protein structure and function (internally defined REVEL score threshold <= 0.5, PMID: 27666373). To our knowledge, functional studies have not been reported for this variant. This variant has not been reported in individuals affected with hereditary cancer in the literature. This variant has not been identified in the general population by the Genome Aggregation Database (gnomAD). The available evidence is insufficient to determine the role of this variant in disease conclusively. Therefore, this variant is classified as a Variant of Uncertain Significance.

Ambry Genetics
Classification: Uncertain significance for Hereditary cancer-predisposing syndrome. Last evaluated: 2022-04-08. Review status: criteria provided, single submitter. Criteria: Ambry Variant Classification Scheme 2023. Collection method: clinical testing. Allele origin: germline.
Comment: The p.I768S variant (also known as c.2303T>G), located in coding exon 14 of the PMS2 gene, results from a T to G substitution at nucleotide position 2303. The isoleucine at codon 768 is replaced by serine, an amino acid with dissimilar properties. This amino acid position is conserved. In addition, the in silico prediction for this alteration is inconclusive. Since supporting evidence is limited at this time, the clinical significance of this alteration remains unclear.

Labcorp Genetics (formerly Invitae), Labcorp
Classification: Uncertain significance for Hereditary nonpolyposis colorectal neoplasms. Last evaluated: 2021-09-17. Review status: criteria provided, single submitter. Criteria: Invitae Variant Classification Sherloc (09022015). Collection method: clinical testing. Allele origin: germline.
Comment: This sequence change replaces isoleucine with serine at codon 768 of the PMS2 protein (p.Ile768Ser). The isoleucine residue is weakly conserved and there is a large physicochemical difference between isoleucine and serine. The frequency data for this variant in the population databases (ExAC) is considered unreliable due to the presence of homologous sequence, such as pseudogenes or paralogs, in the genome. This variant has not been reported in the literature in individuals affected with PMS2-related conditions. Algorithms developed to predict the effect of missense changes on protein structure and function are either unavailable or do not agree on the potential impact of this missense change (SIFT: "Deleterious"; PolyPhen-2: "Possibly Damaging"; Align-GVGD: "Class C0"). In summary, the available evidence is currently insufficient to determine the role of this variant in disease. Therefore, it has been classified as a Variant of Uncertain Significance.